The following is an entry in ClinVar:

NM_001148.6(ANK2):c.1387-20C>T

Gene: ANK2 (ankyrin 2; plus strand). Cytogenetic location: 4q26.
Variant type: single nucleotide variant.
Coding change: c.1387-20C>T on transcript NM_001148.6 (MANE Select); 20 bases into the intron before coding-DNA position 1387, C replaced by T.
Molecular consequence: intron variant.
Genome position (GRCh38, 1-based): chr4:113,264,877, C>T. VCF-style: chr4-113264877-C-T. GRCh37 (hg19) VCF-style: chr4-114186033-C-T.
Other names: c.1375-20C>T (NM_001386186.2, NM_001386148.2); c.1177-20C>T (NM_001354269.3); c.1351-20C>T (NM_001386187.2); c.1345-20C>T (NM_001386147.1, NM_001386160.1, NM_001354261.2); c.1324-20C>T (NM_001354254.2, NM_001354239.2, NM_001354252.2 and 14 more transcripts); c.1300-20C>T (NM_001354249.2, NM_001354266.2, NM_001354276.2 and 13 more transcripts); c.1102-20C>T (NM_001386157.1, NM_001354277.2, NM_001386158.1); c.1432-20C>T (NM_001354241.2, NM_001386152.1, NM_001354237.2 and 5 more transcripts); and 4 more.
Identifiers: ClinVar variation 388199 (VCV000388199.5), dbSNP rs747367469, ClinGen allele CA3050285.

ClinVar aggregate classification (germline): Likely benign. Review status: criteria provided, multiple submitters, no conflicts (2 of 4 stars). 2 submissions from 2 submitters: Likely benign (2). Last evaluated 2025-03-16.

Conditions:
Long QT syndrome (LQTS). Identifiers: MedGen C0023976, MeSH D008133, MONDO:0002442. Disease mechanism: loss of function. Inheritance: Various modes of inheritance.

Allele frequency attached by ClinVar (database versions not stated): gnomAD 0.00001; gnomAD exomes 0.00001 and 0.00004; TOPMed 0.00002; ExAC 0.00005.
gnomAD v4.1: 23 of 1,553,168 alleles (0.0015%); highest among the groups gnomAD compares: South Asian, 0.0036%; no homozygotes.

Submissions (2):

Labcorp Genetics (formerly Invitae), Labcorp
Classification: Likely benign for Long QT syndrome. Last evaluated: 2025-03-16. Review status: criteria provided, single submitter. Criteria: Invitae Variant Classification Sherloc (09022015). Collection method: clinical testing. Allele origin: germline.

GeneDx
Classification: Likely benign. Last evaluated: 2016-07-27. Review status: criteria provided, single submitter. Criteria: GeneDx Variant Classification (06012015). Collection method: clinical testing. Allele origin: germline. Affected: yes.
Comment: This variant is considered likely benign or benign based on one or more of the following criteria: it is a conservative change, it occurs at a poorly conserved position in the protein, it is predicted to be benign by multiple in silico algorithms, and/or has population frequency not consistent with disease.